The following is an entry in ClinVar:

ClinVar aggregate classification (germline): Uncertain significance (1 of 4 stars; one submission).

gnomAD v4.1: 5 of 1,603,900 alleles (0.00031%); highest among the groups gnomAD compares: Non-Finnish European, 0.00043%; no homozygotes.

Submission:

Labcorp Genetics (formerly Invitae), Labcorp
Classification: Uncertain significance. Last evaluated: 2025-07-07. Review status: criteria provided, single submitter. Criteria: Invitae Variant Classification Sherloc (09022015). Collection method: clinical testing. Allele origin: germline.
Comment: This sequence change replaces alanine, which is neutral and non-polar, with valine, which is neutral and non-polar, at codon 204 of the RORB protein (p.Ala204Val). This variant is not present in population databases (gnomAD no frequency). This variant has not been reported in the literature in individuals affected with RORB-related conditions. This missense change has been observed in at least one individual who was not affected with RORB-related conditions (internal data). An algorithm developed to predict the effect of missense changes on protein structure and function (PolyPhen-2) suggests that this variant is likely to be tolerated. In summary, the available evidence is currently insufficient to determine the role of this variant in disease. Therefore, it has been classified as a Variant of Uncertain Significance.

NM_006914.4(RORB):c.611C>T (p.Ala204Val)

Gene: RORB (RAR related orphan receptor B; plus strand). Cytogenetic location: 9q21.13.
Variant type: single nucleotide variant.
Coding change: c.611C>T on transcript NM_006914.4 (MANE Select); coding-DNA position 611, C replaced by T.
Protein change: p.Ala204Val; replaces alanine 204 with valine.
Molecular consequence: missense variant.
Genome position (GRCh38, 1-based): chr9:74,642,789, C>T. VCF-style: chr9-74642789-C-T. GRCh37 (hg19) VCF-style: chr9-77257705-C-T.
Other names: c.644C>T, p.Ala215Val (NM_001365023.1); short protein forms A204V, A215V.
Identifiers: ClinVar variation 4753874 (VCV004753874.1).